The following is an entry in ClinVar:

ClinVar aggregate classification (germline): Conflicting classifications of pathogenicity. Review status: criteria provided, conflicting classifications (1 of 4 stars). 3 submissions from 3 submitters: Uncertain significance (1); Likely benign (2). Last evaluated 2024-11-08.

Conditions:
Inborn genetic diseases. Identifiers: MedGen C0950123, MeSH D030342.

Allele frequency attached by ClinVar (database versions not stated): TOPMed 0.00033; gnomAD exomes 0.00035 and 0.00025; ExAC 0.00041; ESP Exome Variant Server 0.00046; 1000 Genomes Project 30x 0.00016; 1000 Genomes Project 0.00020; gnomAD 0.00033.

Submissions (3):

Blueprint Genetics
Classification: Likely benign. Last evaluated: 2024-11-08. Review status: criteria provided, single submitter. Criteria: ACMG Guidelines, 2015. Collection method: clinical testing. Allele origin: germline.

Labcorp Genetics (formerly Invitae), Labcorp
Classification: Uncertain significance. Last evaluated: 2022-10-31. Review status: criteria provided, single submitter. Criteria: Invitae Variant Classification Sherloc (09022015). Collection method: clinical testing. Allele origin: germline.
Comment: This sequence change replaces valine, which is neutral and non-polar, with isoleucine, which is neutral and non-polar, at codon 447 of the TUBGCP6 protein (p.Val447Ile). This variant is present in population databases (rs182347943, gnomAD 0.1%). This variant has not been reported in the literature in individuals affected with TUBGCP6-related conditions. ClinVar contains an entry for this variant (Variation ID: 521245). Algorithms developed to predict the effect of missense changes on protein structure and function are either unavailable or do not agree on the potential impact of this missense change (SIFT: "Tolerated"; PolyPhen-2: "Probably Damaging"; Align-GVGD: "Class C0"). In summary, the available evidence is currently insufficient to determine the role of this variant in disease. Therefore, it has been classified as a Variant of Uncertain Significance.

Ambry Genetics
Classification: Likely benign for Inborn genetic diseases. Last evaluated: 2022-10-03. Review status: criteria provided, single submitter. Criteria: Ambry Variant Classification Scheme 2023. Collection method: clinical testing. Allele origin: germline.

Literature cited by the submitters: PubMed 27660388 (cited by Ambry Genetics).

NM_020461.4(TUBGCP6):c.1339G>A (p.Val447Ile)

Gene: TUBGCP6 (tubulin gamma complex component 6; minus strand). Cytogenetic location: 22q13.33.
Variant type: single nucleotide variant.
Coding change: c.1339G>A on transcript NM_020461.4 (MANE Select); coding-DNA position 1339, G replaced by A.
Protein change: p.Val447Ile; replaces valine 447 with isoleucine.
Molecular consequence: missense variant.
Genome position (GRCh38, 1-based): chr22:50,227,980, C>T on the plus strand (G>A on the coding strand, the complement: TUBGCP6 is on the minus strand). VCF-style: chr22-50227980-C-T. GRCh37 (hg19) VCF-style: chr22-50666409-C-T.
Other names: short protein forms V447I.
Identifiers: ClinVar variation 521245 (VCV000521245.10), dbSNP rs182347943, ClinGen allele CA10308734.